The following is an entry in ClinVar:

NM_000142.5(FGFR3):c.1132A>T (p.Ser378Cys)

Gene: FGFR3 (fibroblast growth factor receptor 3; plus strand). Cytogenetic location: 4p16.3.
Variant type: single nucleotide variant.
Coding change: c.1132A>T on transcript NM_000142.5 (MANE Select); coding-DNA position 1132, A replaced by T.
Protein change: p.Ser378Cys; replaces serine 378 with cysteine.
Molecular consequence: missense variant. On other transcripts: non-coding transcript variant (1), intron variant (1).
Genome position (GRCh38, 1-based): chr4:1,804,386, A>T. VCF-style: chr4-1804386-A-T. GRCh37 (hg19) VCF-style: chr4-1806113-A-T.
Other names: c.1138A>T, p.Ser380Cys (NM_001163213.2); c.1132A>T, p.Ser378Cys (NM_001354809.2, NM_001354810.2); c.931-438A>T (NM_022965.4); short protein forms S378C, S380C.
Identifiers: ClinVar variation 4857842 (VCV004857842.1).
Genomic context (GRCh38, chr4:1,804,386, plus strand): 5'-GCAGCCGAGGAGGAGCTGGTGGAGGCTGACGAGGCGGGCAGTGTGTATGCAGGCATCCTC[A>T]GCTACGGGGTGGGCTTCTTCCTGTTCATCCTGGTGGTGGCGGCTGTGACGCTCTGCCGCC-3'
Protein context (NP_000133.1, residues 368-388): EAGSVYAGIL[Ser378Cys]YGVGFFLFIL

ClinVar aggregate classification (germline): Uncertain significance (1 of 4 stars; one submission).

Conditions:
FGFR3-related chondrodysplasia. Identifiers: Orphanet 93420, MedGen C5681604, MONDO:0019685.

Submission:

Genomenon, Inc
Classification: Uncertain significance for FGFR3-related chondrodysplasia. Last evaluated: 2026-06-23. Review status: criteria provided, single submitter. Criteria: Genomenon Sequence Variant Interpretation Standards - Updated. Collection method: curation. Allele origin: germline. Affected: no.
Comment: FGFR3 p.Ser378Cys (c.1132A>T) is a missense variant that changes the amino acid at codon 378 from Serine to Cysteine. This variant has been reported in the published literature (PMID:23727984). This variant is located in a mutational hotspot and/or important functional domain. It is absent or not present at a significant frequency in gnomAD. In conclusion, we classify FGFR3 p.Ser378Cys (c.1132A>T) as a variant of uncertain significance.

Literature cited by the submitters: PubMed 23727984.